The following is an entry in ClinVar:

NM_000018.4(ACADVL):c.602_605del (p.Tyr201fs)

Gene: ACADVL (acyl-CoA dehydrogenase very long chain; plus strand). Cytogenetic location: 17p13.1.
Variant type: Deletion.
Coding change: c.602_605del on transcript NM_000018.4 (MANE Select); coding-DNA positions 602 to 605, 4 bases deleted (ACCT; older notation c.602_605delACCT).
Protein change: p.Tyr201fs; shifts the reading frame from tyrosine 201.
Molecular consequence: frameshift variant.
Genome position (GRCh38, 1-based): chr17:7,221,662-7,221,665, ACCT deleted; deleting any 4 consecutive bases within chr17:7,221,661-7,221,665 gives the same sequence; the c. name uses the placement nearest the transcript's 3' end. VCF-style (leftmost placement, unchanged base first): chr17-7221660-ATACC-A. GRCh37 (hg19) VCF-style: chr17-7124979-ATACC-A.
Other names: c.536_539del, p.Tyr179fs (NM_001033859.3); c.671_674del, p.Tyr224fs (NM_001270447.2); c.374_377del, p.Tyr125fs (NM_001270448.2); short protein forms Y125fs, Y179fs, Y201fs, Y224fs.
Identifiers: ClinVar variation 1724497 (VCV001724497.2), dbSNP rs2508284722, ClinGen allele CA2580094794.

ClinVar aggregate classification (germline): Likely pathogenic (1 of 4 stars; one submission).

Conditions:
Very long chain acyl-CoA dehydrogenase deficiency (ACADVLD). Also called: Very Long-Chain Acyl-Coenzyme A Dehydrogenase Deficiency; VLCAD Deficiency. Identifiers: Orphanet 26793, MedGen C3887523, MONDO:0008723, OMIM 201475.

Submission:

Myriad Genetics, Inc.
Classification: Likely pathogenic for Very long chain acyl-CoA dehydrogenase deficiency. Last evaluated: 2022-02-17. Review status: criteria provided, single submitter. Criteria: Myriad Women's Health Autosomal Recessive and X-Linked Classification Criteria (2021). Collection method: clinical testing. Allele origin: unknown.
Comment: NM_000018.3(ACADVL):c.602_605delACCT(Y201Sfs*15) is expected to be pathogenic in the context of very-long-chain acyl-CoA dehydrogenase deficiency. This variant is predicted to lead to an abnormal or absent protein product due to the creation of a premature termination codon in ACADVL, a gene where loss-of-function variants are known to be pathogenic. Please note: this variant was assessed in the context of healthy population screening.